The following is an entry in ClinVar:

ClinVar aggregate classification (germline): Uncertain significance. Review status: criteria provided, multiple submitters, no conflicts (2 of 4 stars). 2 submissions from 2 submitters: Uncertain significance (2). Last evaluated 2023-12-17.

Conditions:
Short stature with nonspecific skeletal abnormalities. Identifiers: MedGen C4225399, MONDO:0975810.
Acromesomelic dysplasia 1, Maroteaux type (AMD1). Also called: ST. HELENA DYSPLASIA; ACROMESOMELIC DYSPLASIA 1. Identifiers: Orphanet 40, MedGen C1864356, MONDO:0011275, OMIM 602875.
Tall stature-scoliosis-macrodactyly of the great toes syndrome. Also called: Epiphyseal chondrodysplasia, miura type. Identifiers: Orphanet 329191, MedGen C4014690, MONDO:0014401, OMIM 615923.

Allele frequency attached by ClinVar (database versions not stated): gnomAD exomes 0.00001 and below 0.00001; 1000 Genomes Project 0.00020; gnomAD 0.00001; 1000 Genomes Project 30x 0.00016; TOPMed below 0.00001; ExAC 0.00001.
gnomAD v4.1: 6 of 1,614,194 alleles (0.00037%); highest among the groups gnomAD compares: African/African-American, 0.0027%; no homozygotes.

Submissions (2):

Labcorp Genetics (formerly Invitae), Labcorp
Classification: Uncertain significance for Tall stature-scoliosis-macrodactyly of the great toes syndrome; Acromesomelic dysplasia 1, Maroteaux type. Last evaluated: 2023-12-17. Review status: criteria provided, single submitter. Criteria: Invitae Variant Classification Sherloc (09022015). Collection method: clinical testing. Allele origin: germline.
Comment: This sequence change replaces arginine, which is basic and polar, with glutamine, which is neutral and polar, at codon 749 of the NPR2 protein (p.Arg749Gln). This variant is present in population databases (rs567992526, gnomAD 0.01%). This variant has not been reported in the literature in individuals affected with NPR2-related conditions. ClinVar contains an entry for this variant (Variation ID: 976392). Advanced modeling of protein sequence and biophysical properties (such as structural, functional, and spatial information, amino acid conservation, physicochemical variation, residue mobility, and thermodynamic stability) performed at Invitae indicates that this missense variant is expected to disrupt NPR2 protein function with a positive predictive value of 80%. This variant disrupts the p.Arg749 amino acid residue in NPR2. Other variant(s) that disrupt this residue have been determined to be pathogenic (PMID: 25959430). This suggests that this residue is clinically significant, and that variants that disrupt this residue are likely to be disease-causing. In summary, the available evidence is currently insufficient to determine the role of this variant in disease. Therefore, it has been classified as a Variant of Uncertain Significance.

Institute of Human Genetics, University of Leipzig Medical Center
Classification: Uncertain significance for Short stature with nonspecific skeletal abnormalities 1. Last evaluated: 2017-10-12. Review status: criteria provided, single submitter. Criteria: ACMG Guidelines, 2015. Collection method: clinical testing. Allele origin: germline. Affected: yes. Observed: 1 variant allele.

Literature cited by the submitters: PubMed 25959430 (cited by Labcorp Genetics (formerly Invitae), Labcorp).

NM_003995.4(NPR2):c.2246G>A (p.Arg749Gln)

Gene: NPR2 (natriuretic peptide receptor 2; plus strand). Cytogenetic location: 9p13.3.
Variant type: single nucleotide variant.
Coding change: c.2246G>A on transcript NM_003995.4 (MANE Select); coding-DNA position 2246, G replaced by A.
Protein change: p.Arg749Gln; replaces arginine 749 with glutamine.
Molecular consequence: missense variant.
Genome position (GRCh38, 1-based): chr9:35,806,107, G>A. VCF-style: chr9-35806107-G-A. GRCh37 (hg19) VCF-style: chr9-35806104-G-A.
Other names: c.2255G>A, p.Arg752Gln (NM_001378923.1); short protein forms R749Q, R752Q.
Identifiers: ClinVar variation 976392 (VCV000976392.4), dbSNP rs567992526, ClinGen allele CA5051921.